The following is an entry in ClinVar:

ClinVar aggregate classification (germline): Pathogenic. Review status: criteria provided, multiple submitters, no conflicts (2 of 4 stars). 2 submissions from 2 submitters: Pathogenic (2). Last evaluated 2023-02-15.

Conditions:
Fraser syndrome 1 (FRASRS1). Also called: CRYPTOPHTHALMOS WITH OTHER MALFORMATIONS. Identifiers: Orphanet 2052, MedGen C4551480, MONDO:0054737, OMIM 219000.

Submissions (2):

Labcorp Genetics (formerly Invitae), Labcorp
Classification: Pathogenic. Last evaluated: 2023-02-15. Review status: criteria provided, single submitter. Criteria: Invitae Variant Classification Sherloc (09022015). Collection method: clinical testing. Allele origin: germline.
Comment: ClinVar contains an entry for this variant (Variation ID: 1705727). For these reasons, this variant has been classified as Pathogenic. This variant has not been reported in the literature in individuals affected with FRAS1-related conditions. This variant is not present in population databases (gnomAD no frequency). This sequence change creates a premature translational stop signal (p.Ser793Alafs*177) in the FRAS1 gene. It is expected to result in an absent or disrupted protein product. Loss-of-function variants in FRAS1 are known to be pathogenic (PMID: 12766769, 18671281).

3billion
Classification: Pathogenic for Fraser syndrome 1. Last evaluated: 2022-09-01. Review status: criteria provided, single submitter. Criteria: ACMG Guidelines, 2015. Collection method: clinical testing. Allele origin: germline. Affected: yes. Observed: 1 homozygote.
Comment: The variant is not observed in the gnomAD v2.1.1 dataset. Frameshift variant is predicted to result in a loss or disruption of normal protein function through nonsense-mediated decay (NMD) or protein truncation. Multiple pathogenic variants are reported downstream of the variant. Therefore, this variant is classified as Pathogenic according to the recommendation of ACMG/AMP guideline.

Literature cited by the submitters: PubMed 12766769 (cited by Labcorp Genetics (formerly Invitae), Labcorp); PubMed 18671281 (cited by Labcorp Genetics (formerly Invitae), Labcorp).

NM_025074.7(FRAS1):c.2376del (p.Ser793fs)

Gene: FRAS1 (Fraser extracellular matrix complex subunit 1; plus strand). Cytogenetic location: 4q21.21.
Variant type: Deletion.
Coding change: c.2376del on transcript NM_025074.7 (MANE Select); coding-DNA position 2376, one base deleted (C; older notation c.2376delC).
Protein change: p.Ser793fs; shifts the reading frame from serine 793.
Molecular consequence: frameshift variant.
Genome position (GRCh38, 1-based): chr4:78,337,771, C deleted; the last of 2 consecutive C bases (chr4:78,337,770-78,337,771); deleting either gives the same sequence. VCF-style (leftmost placement, unchanged base first): chr4-78337769-AC-A. GRCh37 (hg19) VCF-style: chr4-79258923-AC-A.
Other names: c.2376del, p.Ser793fs (NM_001166133.2); short protein forms S793fs.
Identifiers: ClinVar variation 1705727 (VCV001705727.4), dbSNP rs2476797839, ClinGen allele CA2580071810.